The following is an entry in ClinVar:

NM_000321.3(RB1):c.-89G>A

Gene: RB1 (RB transcriptional corepressor 1; plus strand). Cytogenetic location: 13q14.2.
Variant type: single nucleotide variant.
Coding change: c.-89G>A on transcript NM_000321.3 (MANE Select); 89 bases upstream of the start codon, G replaced by A.
Molecular consequence: 5 prime UTR variant.
Genome position (GRCh38, 1-based): chr13:48,303,824, G>A. VCF-style: chr13-48303824-G-A. GRCh37 (hg19) VCF-style: chr13-48877960-G-A.
Other names: c.-89G>A (NM_001407165.1, NM_001407166.1, NM_001407167.1).
Identifiers: ClinVar variation 3717116 (VCV003717116.2).

ClinVar aggregate classification (germline): Uncertain significance (1 of 4 stars; one submission).

Conditions:
Retinoblastoma (RB1). Also called: RETINOBLASTOMA, SOMATIC. Identifiers: Orphanet 790, MedGen C0035335, MeSH D012175, MONDO:0008380, OMIM 180200, HP:0009919. Disease mechanism: loss of function. Inheritance: Both sporadic and heritable forms are tested..

gnomAD v4.1: 4 of 1,469,660 alleles (0.00027%); highest among the groups gnomAD compares: Non-Finnish European, 0.00036%; no homozygotes.

Submission:

Labcorp Genetics (formerly Invitae), Labcorp
Classification: Uncertain significance for Retinoblastoma. Last evaluated: 2025-07-16. Review status: criteria provided, single submitter. Criteria: Invitae Variant Classification Sherloc (09022015). Collection method: clinical testing. Allele origin: germline.
Comment: This variant occurs in a non-coding region of the RB1 gene. It does not change the encoded amino acid sequence of the RB1 protein. This variant is not present in population databases (gnomAD no frequency). This variant has not been reported in the literature in individuals affected with RB1-related conditions. ClinVar contains an entry for this variant (Variation ID: 3717116). In summary, the available evidence is currently insufficient to determine the role of this variant in disease. Therefore, it has been classified as a Variant of Uncertain Significance.